The following is an entry in ClinVar:

NM_005412.6(SHMT2):c.977G>T (p.Gly326Val)

Gene: SHMT2 (serine hydroxymethyltransferase 2; plus strand). Cytogenetic location: 12q13.3.
Variant type: single nucleotide variant.
Coding change: c.977G>T on transcript NM_005412.6 (MANE Select); coding-DNA position 977, G replaced by T.
Protein change: p.Gly326Val; replaces glycine 326 with valine.
Molecular consequence: missense variant. On other transcripts: non-coding transcript variant (4).
Genome position (GRCh38, 1-based): chr12:57,233,299, G>T. VCF-style: chr12-57233299-G-T. GRCh37 (hg19) VCF-style: chr12-57627082-G-T.
Other names: c.947G>T, p.Gly316Val (NM_001166356.2); c.914G>T, p.Gly305Val (NM_001166357.1, NM_001166358.2, NM_001166359.1); short protein forms G316V, G326V, G305V.
Identifiers: ClinVar variation 2402778 (VCV002402778.3), dbSNP rs779404089, ClinGen allele CA6646535.

ClinVar aggregate classification (germline): Uncertain significance. Review status: criteria provided, multiple submitters, no conflicts (2 of 4 stars). 2 submissions from 2 submitters: Uncertain significance (2). Last evaluated 2026-10-01.

Conditions:
Neurodevelopmental disorder with cardiomyopathy, spasticity, and brain abnormalities. Identifiers: MedGen C5436848, MONDO:0030866, OMIM 619121.
Inborn genetic diseases. Identifiers: MedGen C0950123, MeSH D030342.

Allele frequency attached by ClinVar (database versions not stated): ExAC 0.00001.

Submissions (2):

Systems Biology Laboratory, Department of Convergent Bioscience and Informatics, Chungnam National University
Classification: Uncertain significance for Neurodevelopmental disorder with cardiomyopathy, spasticity, and brain abnormalities. Last evaluated: 2026-10-01. Review status: criteria provided, single submitter. Criteria: ACMG Guidelines, 2015. Collection method: research. Allele origin: paternal. Inheritance: Autosomal recessive inheritance. Affected: yes. Observed: 2 variant alleles, 2 compound heterozygotes. Clinical features observed: Microcephaly (HP:0000252), Short neck (HP:0000470), Esotropia (HP:0000565), Autistic behavior (HP:0000729), Intellectual disability (HP:0001249), Seizure (HP:0001250), Obesity (HP:0001513), Abnormal facial shape (HP:0001999), Unsteady gait (HP:0002317), Short stature (HP:0004322), Reduced cerebral white matter volume (HP:0034295).
Comment: PP3_Supporting (REVEL 0.771, below the 0.773 moderate threshold, 1) + PM2_Supporting (gnomAD v4.1 exomes 6/1,449,204, absent in genomes, no homozygotes, 1) + PP1_Supporting (co-segregation in two affected siblings, 1) + PP4_Supporting (clinical phenotype judged consistent with NEDCASB by the treating clinical geneticists, 1) = 4 points. PM3 not applied: the variant in trans (c.1075C>T) is of uncertain significance (0.25 points, below the supporting threshold). Biallelic hypomorphic SHMT2 variants cause NEDCASB (PMID:33015733; PMID:39589606); this variant has not been functionally characterized.

Ambry Genetics
Classification: Uncertain significance for Inborn genetic diseases. Last evaluated: 2021-08-25. Review status: criteria provided, single submitter. Criteria: Ambry Variant Classification Scheme 2023. Collection method: clinical testing. Allele origin: germline.

Literature cited by the submitters: PubMed 33015733 (cited by Systems Biology Laboratory, Department of Convergent Bioscience and Informatics, Chungnam National University); PubMed 39589606 (cited by Systems Biology Laboratory, Department of Convergent Bioscience and Informatics, Chungnam National University).